The following is an entry in ClinVar:

NM_000350.3(ABCA4):c.4237C>T (p.Gln1413Ter)

Gene: ABCA4 (ATP binding cassette subfamily A member 4; minus strand). Cytogenetic location: 1p22.1.
Variant type: single nucleotide variant.
Coding change: c.4237C>T on transcript NM_000350.3 (MANE Select); coding-DNA position 4237, C replaced by T.
Protein change: p.Gln1413Ter; replaces glutamine 1413 with a stop codon.
Molecular consequence: nonsense.
Genome position (GRCh38, 1-based): chr1:94,031,012, G>A on the plus strand (C>T on the coding strand, the complement: ABCA4 is on the minus strand). VCF-style: chr1-94031012-G-A. GRCh37 (hg19) VCF-style: chr1-94496568-G-A.
Other names: c.4015C>T, p.Gln1339Ter (NM_001425324.1); short protein forms Q1413*, Q1339*.
Identifiers: ClinVar variation 1068500 (VCV001068500.8), dbSNP rs2101035684, ClinGen allele CA341286082.

ClinVar aggregate classification (germline): Pathogenic (1 of 4 stars; one submission).

Submission:

Labcorp Genetics (formerly Invitae), Labcorp
Classification: Pathogenic. Last evaluated: 2022-03-18. Review status: criteria provided, single submitter. Criteria: Invitae Variant Classification Sherloc (09022015). Collection method: clinical testing. Allele origin: germline.
Comment: ClinVar contains an entry for this variant (Variation ID: 1068500). This variant has not been reported in the literature in individuals affected with ABCA4-related conditions. This variant is not present in population databases (gnomAD no frequency). This sequence change creates a premature translational stop signal (p.Gln1413*) in the ABCA4 gene. It is expected to result in an absent or disrupted protein product. Loss-of-function variants in ABCA4 are known to be pathogenic (PMID: 10958761, 24938718, 25312043, 26780318). For these reasons, this variant has been classified as Pathogenic.

Literature cited by the submitters: PubMed 10958761; PubMed 24938718; PubMed 25312043; PubMed 26780318.